The following is an entry in ClinVar:

NM_006073.4(TRDN):c.1197G>T (p.Lys399Asn)

Gene: TRDN (triadin; minus strand). Cytogenetic location: 6q22.31.
Variant type: single nucleotide variant.
Coding change: c.1197G>T on transcript NM_006073.4 (MANE Select); coding-DNA position 1197, G replaced by T.
Protein change: p.Lys399Asn; replaces lysine 399 with asparagine.
Molecular consequence: missense variant.
Genome position (GRCh38, 1-based): chr6:123,377,888, C>A on the plus strand (G>T on the coding strand, the complement: TRDN is on the minus strand). VCF-style: chr6-123377888-C-A. GRCh37 (hg19) VCF-style: chr6-123699033-C-A.
Other names: c.1200G>T, p.Lys400Asn (NM_001251987.2); c.1140G>T, p.Lys380Asn (NM_001407315.1); short protein forms K380N, K400N, K399N.
Identifiers: ClinVar variation 1746385 (VCV001746385.2), dbSNP rs2533837701, ClinGen allele CA365566625.

ClinVar aggregate classification (germline): Uncertain significance (1 of 4 stars; one submission).

Conditions:
Cardiovascular phenotype. Identifiers: MedGen CN230736.

Submission:

Ambry Genetics
Classification: Uncertain significance for Cardiovascular phenotype. Last evaluated: 2021-06-23. Review status: criteria provided, single submitter. Criteria: Ambry Variant Classification Scheme 2023. Collection method: clinical testing. Allele origin: germline.
Comment: The p.K399N variant (also known as c.1197G>T), located in coding exon 17 of the TRDN gene, results from a G to T substitution at nucleotide position 1197. The lysine at codon 399 is replaced by asparagine, an amino acid with similar properties. This amino acid position is conserved. In addition, this alteration is predicted to be tolerated by in silico analysis. Since supporting evidence is limited at this time, the clinical significance of this alteration remains unclear.